The following is an entry in ClinVar:

NM_139076.3(ABRAXAS1):c.706A>G (p.Ser236Gly)

Gene: ABRAXAS1 (abraxas 1, BRCA1 A complex subunit; minus strand). Cytogenetic location: 4q21.23.
Variant type: single nucleotide variant.
Coding change: c.706A>G on transcript NM_139076.3 (MANE Select); coding-DNA position 706, A replaced by G.
Protein change: p.Ser236Gly; replaces serine 236 with glycine.
Molecular consequence: missense variant.
Genome position (GRCh38, 1-based): chr4:83,463,584, T>C on the plus strand (A>G on the coding strand, the complement: ABRAXAS1 is on the minus strand). VCF-style: chr4-83463584-T-C. GRCh37 (hg19) VCF-style: chr4-84384737-T-C.
Other names: c.379A>G, p.Ser127Gly (NM_001345962.2); short protein forms S236G, S127G.
Identifiers: ClinVar variation 3994607 (VCV003994607.1).

ClinVar aggregate classification (germline): Uncertain significance (1 of 4 stars; one submission).

Submission:

Ambry Genetics
Classification: Uncertain significance. Last evaluated: 2025-05-26. Review status: criteria provided, single submitter. Criteria: Ambry Variant Classification Scheme 2023. Collection method: clinical testing. Allele origin: germline.
Comment: The p.S236G variant (also known as c.706A>G), located in coding exon 8 of the FAM175A gene, results from an A to G substitution at nucleotide position 706. The serine at codon 236 is replaced by glycine, an amino acid with similar properties. This amino acid position is conserved. In addition, the in silico prediction for this alteration is inconclusive. Based on the available evidence, the clinical significance of this variant remains unclear.